The following is an entry in ClinVar:

NM_006514.4(SCN10A):c.1564G>C (p.Asp522His)

Gene: SCN10A (sodium voltage-gated channel alpha subunit 10; minus strand). Cytogenetic location: 3p22.2.
Variant type: single nucleotide variant.
Coding change: c.1564G>C on transcript NM_006514.4 (MANE Select); coding-DNA position 1564, G replaced by C.
Protein change: p.Asp522His; replaces aspartic acid 522 with histidine.
Molecular consequence: missense variant. On other transcripts: intron variant (1).
Genome position (GRCh38, 1-based): chr3:38,752,410, C>G on the plus strand (G>C on the coding strand, the complement: SCN10A is on the minus strand). VCF-style: chr3-38752410-C-G. GRCh37 (hg19) VCF-style: chr3-38793901-C-G.
Other names: c.1564G>C, p.Asp522His (NM_001293306.2); c.1462-2226G>C (NM_001293307.2); short protein forms D522H.
Identifiers: ClinVar variation 3793154 (VCV003793154.1).
Genomic context (GRCh38, chr3:38,752,410, plus strand): 5'-CCCCACCCAGCAGCAGAGAGCCCCGATGGCTTTCGTGGTCTCCAGGAAAGACTCCATCAT[C>G]TGTGACTCCCTCAGGGAGTGAGATATCTCGGCCAGGGGACCGGAAATGGAACACACTGCC-3'
Protein context (NP_006505.4, residues 512-532): RDISLPEGVT[Asp522His]DGVFPGDHES

ClinVar aggregate classification (germline): Uncertain significance (1 of 4 stars; one submission).

Conditions:
Cardiovascular phenotype. Identifiers: MedGen CN230736.

Submission:

Ambry Genetics
Classification: Uncertain significance for Cardiovascular phenotype. Last evaluated: 2025-02-27. Review status: criteria provided, single submitter. Criteria: Ambry Variant Classification Scheme 2023. Collection method: clinical testing. Allele origin: germline.
Comment: The p.D522H variant (also known as c.1564G>C), located in coding exon 11 of the SCN10A gene, results from a G to C substitution at nucleotide position 1564. The aspartic acid at codon 522 is replaced by histidine, an amino acid with similar properties. This amino acid position is conserved. In addition, the in silico prediction for this alteration is inconclusive. Based on the available evidence, the clinical significance of this variant remains unclear.